The following is an entry in ClinVar:

NM_054021.2(GPR101):c.1156A>C (p.Asn386His)

Gene: GPR101 (G protein-coupled receptor 101; minus strand). Cytogenetic location: Xq26.3.
Variant type: single nucleotide variant.
Coding change: c.1156A>C on transcript NM_054021.2 (MANE Select); coding-DNA position 1156, A replaced by C.
Protein change: p.Asn386His; replaces asparagine 386 with histidine.
Molecular consequence: missense variant.
Genome position (GRCh38, 1-based): chrX:137,030,519, T>G on the plus strand (A>C on the coding strand, the complement: GPR101 is on the minus strand). VCF-style: chrX-137030519-T-G. GRCh37 (hg19) VCF-style: chrX-136112678-T-G.
Other names: short protein forms N386H.
Identifiers: ClinVar variation 92023 (VCV000092023.2), dbSNP rs386352311, ClinGen allele CA232370.

ClinVar aggregate classification (germline): Uncertain significance (0 of 4 stars; one submission).

Submission:

Richard Lifton Laboratory, Yale University School of Medicine
Classification: Uncertain significance. Review status: no assertion criteria provided. Collection method: not provided. Allele origin: somatic.
Comment: GPR101
ClinVar note: Converted during submission from unknown to Uncertain significance.